The following is an entry in ClinVar:

ClinVar aggregate classification (germline): Likely benign (1 of 4 stars; one submission).

gnomAD v4.1: 652 of 1,534,426 alleles (0.042%); highest among the groups gnomAD compares: Middle Eastern, 0.1%; 2 homozygotes.

Submission:

CeGaT Center for Human Genetics Tuebingen
Classification: Likely benign. Last evaluated: 2026-06-01. Review status: criteria provided, single submitter. Criteria: CeGaT Center For Human Genetics Tuebingen Variant Classification Criteria Version 2. Collection method: clinical testing. Allele origin: germline. Affected: yes. Observed: 1 variant allele.
Comment: ANTXRL: BP4, BP7

NM_001278688.3(ANTXRL):c.1347T>C (p.Phe449=)

Gene: ANTXRL (ANTXR like; plus strand). Cytogenetic location: 10q11.22.
Variant type: single nucleotide variant.
Coding change: c.1347T>C on transcript NM_001278688.3 (MANE Select); coding-DNA position 1347, T replaced by C.
Protein change: p.Phe449=; no amino-acid change (phenylalanine 449 retained).
Molecular consequence: synonymous variant.
Genome position (GRCh38, 1-based): chr10:46,313,253, T>C. VCF-style: chr10-46313253-T-C. GRCh37 (hg19) VCF-style: chr10-47684489-T-C.
Other names: c.453T>C, p.Phe151= (NM_001354208.2).
Identifiers: ClinVar variation 4872030 (VCV004872030.2).